The following is an entry in ClinVar:

ClinVar aggregate classification (germline): Pathogenic (1 of 4 stars; one submission).

Conditions:
Cardiovascular phenotype. Identifiers: MedGen CN230736.
Hereditary cancer-predisposing syndrome. Also called: Tumor predisposition; Neoplastic Syndromes, Hereditary; Hereditary Cancer Syndrome; Hereditary neoplastic syndrome. Identifiers: Orphanet 140162, MedGen C0027672, MeSH D009386, MONDO:0015356.

Submission:

Ambry Genetics
Classification: Pathogenic for Cardiovascular phenotype; Hereditary cancer-predisposing syndrome. Last evaluated: 2025-01-20. Review status: criteria provided, single submitter. Criteria: Ambry Variant Classification Scheme 2023. Collection method: clinical testing. Allele origin: germline.
Comment: The c.901delG pathogenic mutation, located in coding exon 9 of the NF1 gene, results from a deletion of one nucleotide at nucleotide position 901, causing a translational frameshift with a predicted alternate stop codon (p.D301Tfs*16). This variant is considered to be rare based on population cohorts in the Genome Aggregation Database (gnomAD). This alteration is expected to result in loss of function by premature protein truncation or nonsense-mediated mRNA decay. As such, this alteration is interpreted as a disease-causing mutation.

NM_001042492.3(NF1):c.901del (p.Asp301fs)

Gene: NF1 (neurofibromin 1; plus strand). Cytogenetic location: 17q11.2.
Variant type: Deletion.
Coding change: c.901del on transcript NM_001042492.3 (MANE Select); coding-DNA position 901, one base deleted (G; older notation c.901delG).
Protein change: p.Asp301fs; shifts the reading frame from aspartic acid 301.
Molecular consequence: frameshift variant.
Genome position (GRCh38, 1-based): chr17:31,200,434, G deleted; the last of 2 consecutive G bases (chr17:31,200,433-31,200,434); deleting either gives the same sequence. VCF-style (leftmost placement, unchanged base first): chr17-31200432-TG-T. GRCh37 (hg19) VCF-style: chr17-29527450-TG-T.
Other names: c.901delG, p.Asp301Thrfs (NM_000267.4); c.901del, p.Asp301fs (NM_001128147.3); c.901delG (NM_000267.3); short protein forms D301fs.
Identifiers: ClinVar variation 3879048 (VCV003879048.1).